The following is an entry in ClinVar:

ClinVar aggregate classification (germline): Likely benign (1 of 4 stars; one submission).

Submission:

CeGaT Center for Human Genetics Tuebingen
Classification: Likely benign. Last evaluated: 2022-07-01. Review status: criteria provided, single submitter. Criteria: CeGaT Center For Human Genetics Tuebingen Variant Classification Criteria Version 2. Collection method: clinical testing. Allele origin: germline. Affected: yes. Observed: 1 variant allele.
Comment: BRWD3: PM2:Supporting, BP4, BP7

NM_153252.5(BRWD3):c.3363C>T (p.Val1121=)

Gene: BRWD3 (bromodomain and WD repeat domain containing 3; minus strand). Cytogenetic location: Xq21.1.
Variant type: single nucleotide variant.
Coding change: c.3363C>T on transcript NM_153252.5 (MANE Select); coding-DNA position 3363, C replaced by T.
Protein change: p.Val1121=; no amino-acid change (valine 1121 retained).
Molecular consequence: synonymous variant.
Genome position (GRCh38, 1-based): chrX:80,691,941, G>A on the plus strand (C>T on the coding strand, the complement: BRWD3 is on the minus strand). VCF-style: chrX-80691941-G-A. GRCh37 (hg19) VCF-style: chrX-79947440-G-A.
Identifiers: ClinVar variation 1701606 (VCV001701606.31), dbSNP rs1044546983, ClinGen allele CA331097302.